The following is an entry in ClinVar:

NM_003737.4(DCHS1):c.9059C>T (p.Pro3020Leu)

Gene: DCHS1 (dachsous cadherin-related 1; minus strand). Cytogenetic location: 11p15.4.
Variant type: single nucleotide variant.
Coding change: c.9059C>T on transcript NM_003737.4 (MANE Select); coding-DNA position 9059, C replaced by T.
Protein change: p.Pro3020Leu; replaces proline 3020 with leucine.
Molecular consequence: missense variant.
Genome position (GRCh38, 1-based): chr11:6,622,617, G>A on the plus strand (C>T on the coding strand, the complement: DCHS1 is on the minus strand). VCF-style: chr11-6622617-G-A. GRCh37 (hg19) VCF-style: chr11-6643848-G-A.
Other names: short protein forms P3020L.
Identifiers: ClinVar variation 2793545 (VCV002793545.3), dbSNP rs1450708798, ClinGen allele CA379479729.

ClinVar aggregate classification (germline): Uncertain significance (1 of 4 stars; one submission).

Allele frequency attached by ClinVar (database versions not stated): gnomAD exomes below 0.00001.
gnomAD v4.1: 2 of 1,583,994 alleles (0.00013%); highest among the groups gnomAD compares: Non-Finnish European, 0.00017%; no homozygotes.

Submission:

Labcorp Genetics (formerly Invitae), Labcorp
Classification: Uncertain significance. Last evaluated: 2025-04-22. Review status: criteria provided, single submitter. Criteria: Invitae Variant Classification Sherloc (09022015). Collection method: clinical testing. Allele origin: germline.
Comment: This sequence change replaces proline, which is neutral and non-polar, with leucine, which is neutral and non-polar, at codon 3020 of the DCHS1 protein (p.Pro3020Leu). The frequency data for this variant in the population databases is considered unreliable, as metrics indicate poor data quality at this position in the gnomAD database. This variant has not been reported in the literature in individuals affected with DCHS1-related conditions. ClinVar contains an entry for this variant (Variation ID: 2793545). Invitae Evidence Modeling of protein sequence and biophysical properties (such as structural, functional, and spatial information, amino acid conservation, physicochemical variation, residue mobility, and thermodynamic stability) indicates that this missense variant is not expected to disrupt DCHS1 protein function with a negative predictive value of 80%. In summary, the available evidence is currently insufficient to determine the role of this variant in disease. Therefore, it has been classified as a Variant of Uncertain Significance.